The following is an entry in ClinVar:

NM_000435.3(NOTCH3):c.3226C>T (p.Arg1076Cys)

Gene: NOTCH3 (notch receptor 3; minus strand). Cytogenetic location: 19p13.12.
Variant type: single nucleotide variant.
Coding change: c.3226C>T on transcript NM_000435.3 (MANE Select); coding-DNA position 3226, C replaced by T.
Protein change: p.Arg1076Cys; replaces arginine 1076 with cysteine.
Molecular consequence: missense variant.
Genome position (GRCh38, 1-based): chr19:15,180,173, G>A on the plus strand (C>T on the coding strand, the complement: NOTCH3 is on the minus strand). VCF-style: chr19-15180173-G-A. GRCh37 (hg19) VCF-style: chr19-15290984-G-A.
Other names: short protein forms R1076C.
Identifiers: ClinVar variation 447830 (VCV000447830.43), dbSNP rs1438626607, ClinGen allele CA404513546.

ClinVar aggregate classification (germline): Pathogenic/Likely pathogenic. Review status: criteria provided, multiple submitters, no conflicts (2 of 4 stars). 7 submissions from 7 submitters: Pathogenic (4); Likely pathogenic (3). Last evaluated 2026-04-15.

Conditions:
Cerebral arteriopathy, autosomal dominant, with subcortical infarcts and leukoencephalopathy, type 1 (CADASIL1). Also called: Cerebral arteriopathy with subcortical infarcts and leukoencephalopathy 1; DEMENTIA, HEREDITARY MULTIINFARCT TYPE; CADASIL 1; CASIL. Identifiers: Orphanet 136, MedGen C4551768, MONDO:0000914, OMIM 125310.

Allele frequency attached by ClinVar (database versions not stated): gnomAD exomes below 0.00001; gnomAD 0.00001.
gnomAD v4.1: 4 of 1,613,550 alleles (0.00025%); highest among the groups gnomAD compares: East Asian, 0.0022%; no homozygotes.

Submissions (7):

Women's Health and Genetics/Laboratory Corporation of America, LabCorp
Classification: Pathogenic for Cerebral arteriopathy, autosomal dominant, with subcortical infarcts and leukoencephalopathy, type 1. Last evaluated: 2026-04-15. Review status: criteria provided, single submitter. Criteria: LabCorp Variant Classification Summary - May 2015. Collection method: clinical testing. Allele origin: germline.
Comment: Variant summary: NOTCH3 c.3226C>T (p.Arg1076Cys) results in a non-conservative amino acid change in the encoded protein sequence. Algorithms developed to predict the effect of missense changes on protein structure and function all suggest that this variant is likely to be disruptive. The variant was absent in 251194 control chromosomes (gnomAD). c.3226C>T has been observed in multiple individuals affected with Cerebral arteriopathy, autosomal dominant, with subcortical infarcts and leukoencephalopathy, type 1 (e.g. Formichi_2013, Bianchi_2015). These data indicate that the variant is very likely to be associated with disease. The following publications have been ascertained in the context of this evaluation (PMID: 25344745, 22878905). ClinVar contains an entry for this variant (Variation ID: 447830). To our knowledge, this variant has not been reported in individuals with Cerebral Arteriopathy, Autosomal Recessive, With Subcortical Infarcts And Leukoencephalopathy 1. Based on the evidence outlined above, the variant was classified as pathogenic for Cerebral arteriopathy, autosomal dominant, with subcortical infarcts and leukoencephalopathy, type 1.

Labcorp Genetics (formerly Invitae), Labcorp
Classification: Pathogenic. Last evaluated: 2024-06-20. Review status: criteria provided, single submitter. Criteria: Invitae Variant Classification Sherloc (09022015). Collection method: clinical testing. Allele origin: germline.
Comment: This sequence change replaces arginine, which is basic and polar, with cysteine, which is neutral and slightly polar, at codon 1076 of the NOTCH3 protein (p.Arg1076Cys). This variant is present in population databases (no rsID available, gnomAD 0.06%). This missense change has been observed in individuals with autosomal dominant cerebral arteriopathy with subcortical infarcts and leukoencephalopathy (CADASIL) (PMID: 11571335, 12861102, 15827866, 15834039, 22878905; Invitae). This variant is also known as R1075C. ClinVar contains an entry for this variant (Variation ID: 447830). Advanced modeling of protein sequence and biophysical properties (such as structural, functional, and spatial information, amino acid conservation, physicochemical variation, residue mobility, and thermodynamic stability) has been performed at Invitae for this missense variant, however the output from this modeling did not meet the statistical confidence thresholds required to predict the impact of this variant on NOTCH3 protein function. For these reasons, this variant has been classified as Pathogenic.

ARUP Laboratories, Molecular Genetics and Genomics, ARUP Laboratories
Classification: Likely pathogenic. Last evaluated: 2024-02-20. Review status: criteria provided, single submitter. Criteria: ARUP Molecular Germline Variant Investigation Process 2024. Collection method: clinical testing. Allele origin: germline.
Comment: The NOTCH3 c.3226C>T; p.Arg1076Cys variant (rs1438626607) is reported in the literature in several individuals and families affected with CADASIL (Dotti 2005, Juhosova 2023, Lesnik Oberstein 2003, Liao 2015, Mosca 2011, Ni 2022, Pantoni 2010, Piccirillo 2008, Uemura 2023). This variant is reported in ClinVar (Variation ID: 447830). This variant is only observed on one allele in the Genome Aggregation Database (v2.1.1), indicating it is not a common polymorphism. Computational analyses are uncertain whether this variant is neutral or deleterious (REVEL: 0.663). However, this variant occurs in an EGF-like domain, and most pathogenic NOTCH3 variants occur in exons 2-24 and either create or destroy a cysteine residue within an EGF-like domain (Rutten 2014). Based on available information, this variant is considered to be likely pathogenic. References: Dotti MT et al. The spectrum of Notch3 mutations in 28 Italian CADASIL families. J Neurol Neurosurg Psychiatry. 2005 May;76(5):736-8. PMID: 15834039. Juhosova M et al. Influence of different spectra of NOTCH3 variants on the clinical phenotype of CADASIL - experience from Slovakia. Neurogenetics. 2023 Jan;24(1):1-16. PMID: 36401683. Lesnik Oberstein SA et al. Myocardial infarction in cerebral autosomal dominant arteriopathy with subcortical infarcts and leukoencephalopathy (CADASIL). Medicine (Baltimore). 2003 Jul;82(4):251-6. PMID: 12861102. Liao YC et al. Characterization of CADASIL among the Han Chinese in Taiwan: Distinct Genotypic and Phenotypic Profiles. PLoS One. 2015 Aug 26;10(8):e0136501. PMID: 26308724. Mosca L et al. NOTCH3 gene mutations in subjects clinically suspected of CADASIL. J Neurol Sci. 2011 Aug 15;307(1-2):144-8. PMID: 21616505. Ni W et al. Genetic spectrum of NOTCH3 and clinical phenotype of CADASIL patients in different populations. CNS Neurosci Ther. 2022 Nov;28(11):1779-1789. PMID: 35822697. Pantoni L et al. Comparison of clinical, familial, and MRI features of CADASIL and NOTCH3-negative patients. Neurology. 2010 Jan 5;74(1):57-63. PMID: 20038773. Piccirillo G et al. Increased QT variability in cerebral autosomal dominant arteriopathy with subcortical infarcts and leukoencephalopathy. Eur J Neurol. 2008 Nov;15(11):1216-21. PMID: 18803652. Rutten JW et al. Interpretation of NOTCH3 mutations in the diagnosis of CADASIL. Expert Rev Mol Diagn. 2014 Jun;14(5):593-603. PMID: 24844136. Uemura M et al. High frequency of HTRA1 AND ABCC6 mutations in Japanese patients with adult-onset cerebral small vessel disease. J Neurol Neurosurg Psychiatry. 2023 Jan;94(1):74-81. PMID: 36261288.

3billion
Classification: Pathogenic for Cerebral arteriopathy, autosomal dominant, with subcortical infarcts and leukoencephalopathy, type 1. Last evaluated: 2023-08-21. Review status: criteria provided, single submitter. Criteria: ACMG Guidelines, 2015. Collection method: clinical testing. Allele origin: germline. Affected: yes.
Comment: The variant is observed at an extremely low frequency in the gnomAD v2.1.1 dataset (total allele frequency: 0.003%). Predicted Consequence/Location: Missense changes are a common disease-causing mechanism. In silico tool predictions suggest damaging effect of the variant on gene or gene product [REVEL: 0.66 (>=0.6, sensitivity 0.68 and specificity 0.92); 3Cnet: 0.90 (>=0.6, sensitivity 0.72 and precision 0.9)]. Same nucleotide change resulting in same amino acid change has been previously reported as pathogenic/likely pathogenic with strong evidence (ClinVar ID: VCV000447830 /PMID: 12861102).The variant has been observed in at least two similarly affected unrelated individuals (PMID: 11571335, 12861102, 15827866, 15834039, 22878905). Therefore, this variant is classified as Pathogenic according to the recommendation of ACMG/AMP guideline.

CeGaT Center for Human Genetics Tuebingen
Classification: Likely pathogenic. Last evaluated: 2022-09-01. Review status: criteria provided, single submitter. Criteria: CeGaT Center For Human Genetics Tuebingen Variant Classification Criteria Version 2. Collection method: clinical testing. Allele origin: germline. Affected: yes. Observed: 2 variant alleles.
Comment: NOTCH3: PM1:Strong, PM2, PS4:Moderate, PP2

Athena Diagnostics
Classification: Pathogenic. Last evaluated: 2022-03-21. Review status: criteria provided, single submitter. Criteria: Athena Diagnostics Criteria. Collection method: clinical testing. Allele origin: unknown.
Comment: The frequency of this variant in the general population is consistent with pathogenicity. This variant has been identified in multiple unrelated individuals with CADASIL. This variant alters a critical location within the protein, and is expected to severely affect function and cause disease. Greater than 90% of pathogenic variants identified in NOTCH3 involve the gain or loss of a cysteine residue within the epidermal growth factor (EGF)-like repeat domain.

Centre for Mendelian Genomics, University Medical Centre Ljubljana
Classification: Likely pathogenic for Cerebral arteriopathy, autosomal dominant, with subcortical infarcts and leukoencephalopathy, type 1. Last evaluated: 2020-02-21. Review status: criteria provided, single submitter. Criteria: ACMG Guidelines, 2015. Collection method: clinical testing. Allele origin: unknown. Affected: yes.
Comment: This variant was classified as: Likely pathogenic. The following ACMG criteria were applied in classifying this variant: PS4_MOD,PM1,PM2,PP2,PP3.

Literature cited by the submitters: PubMed 25344745 (cited by Women's Health and Genetics/Laboratory Corporation of America, LabCorp and Athena Diagnostics); PubMed 22878905 (cited by 4 submitters); PubMed 11571335 (cited by 3 submitters); PubMed 12861102 (cited by 3 submitters); PubMed 15827866 (cited by 3 submitters); PubMed 15834039 (cited by 3 submitters); PubMed 26308724 (cited by Athena Diagnostics); PubMed 20038773 (cited by Athena Diagnostics); PubMed 21616505 (cited by Athena Diagnostics); PubMed 19180562 (cited by Athena Diagnostics); PubMed 18803652 (cited by Athena Diagnostics).